The following is an entry in ClinVar:

NM_007294.4(BRCA1):c.-102C>T

Genes: BRCA1 (BRCA1 DNA repair associated; minus strand), LOC111589215 (BRCA1 promoter region; plus strand). Cytogenetic location: 17q21.31.
Variant type: single nucleotide variant.
Coding change: c.-102C>T on transcript NM_007294.4 (MANE Select); 102 bases upstream of the start codon, C replaced by T.
Molecular consequence: 5 prime UTR variant. On other transcripts: intron variant (1).
Genome position (GRCh38, 1-based): chr17:43,125,353, G>A on the plus strand (C>T on the coding strand, the complement: BRCA1 is on the minus strand). VCF-style: chr17-43125353-G-A. GRCh37 (hg19) VCF-style: chr17-41277370-G-A.
Other names: c.-96C>T (NM_001408401.1, NM_001408404.1, NM_001408408.1 and 50 more transcripts); c.-102C>T (NM_001408402.1, NM_001408403.1, NM_001408406.1 and 45 more transcripts); c.-896C>T (NM_001408410.1, NM_001407838.1); c.-636C>T (NM_001408411.1, NM_001408414.1, NM_001407972.1 and 32 more transcripts); c.-1257C>T (NM_001408415.1, NM_001408426.1, NM_001407970.1 and 6 more transcripts); c.-191C>T (NM_001408416.1, NM_001408418.1, NM_001408428.1 and 20 more transcripts); c.-89C>T (NM_001408421.1, NM_001408427.1, NM_001407991.1 and 8 more transcripts); c.-274C>T (NM_001408422.1); and 55 more.
Identifiers: ClinVar variation 5042091 (VCV005042091.1).

ClinVar aggregate classification (germline): Likely benign (1 of 4 stars; one submission).

Conditions:
Breast-ovarian cancer, familial, susceptibility to, 1 (BROVCA1). Also called: OVARIAN CANCER, SUSCEPTIBILITY TO; BRCA1 Hereditary Breast and Ovarian Cancer. Identifiers: Orphanet 145, MedGen C2676676, MONDO:0011450, OMIM 604370. Disease mechanism: loss of function.

gnomAD v4.1: 1 of 434,022 alleles (0.00023%); highest among the groups gnomAD compares: Admixed American, 0.0025%; no homozygotes.

Submission:

Myriad Genetics, Inc.
Classification: Likely benign for Breast-ovarian cancer, familial, susceptibility to, 1. Last evaluated: 2026-08-03. Review status: criteria provided, single submitter. Criteria: Myriad Autosomal Dominant, Autosomal Recessive and X-Linked Classification Criteria (2023). Collection method: clinical testing. Allele origin: unknown.
Comment: This variant is considered likely benign. This variant is strongly associated with less severe personal and family histories of cancer, typical for individuals without pathogenic variants in this gene [PMID: 25085752].

Literature cited by the submitters: PubMed 25085752.